The following is an entry in ClinVar:

ClinVar aggregate classification (germline): Uncertain significance (1 of 4 stars; one submission).

Allele frequency attached by ClinVar (database versions not stated): gnomAD exomes below 0.00001.
gnomAD v4.1: 3 of 1,462,592 alleles (0.00021%); highest among the groups gnomAD compares: Non-Finnish European, 0.00018%; no homozygotes.

Submission:

Labcorp Genetics (formerly Invitae), Labcorp
Classification: Uncertain significance. Last evaluated: 2022-11-30. Review status: criteria provided, single submitter. Criteria: Invitae Variant Classification Sherloc (09022015). Collection method: clinical testing. Allele origin: germline.
Comment: Advanced modeling of protein sequence and biophysical properties (such as structural, functional, and spatial information, amino acid conservation, physicochemical variation, residue mobility, and thermodynamic stability) performed at Invitae indicates that this missense variant is not expected to disrupt PIEZO1 protein function. In summary, the available evidence is currently insufficient to determine the role of this variant in disease. Therefore, it has been classified as a Variant of Uncertain Significance. This sequence change replaces proline, which is neutral and non-polar, with arginine, which is basic and polar, at codon 1383 of the PIEZO1 protein (p.Pro1383Arg). This variant is not present in population databases (gnomAD no frequency). This variant has not been reported in the literature in individuals affected with PIEZO1-related conditions.

NM_001142864.4(PIEZO1):c.4148C>G (p.Pro1383Arg)

Gene: PIEZO1 (piezo type mechanosensitive ion channel component 1 (Er blood group); minus strand). Cytogenetic location: 16q24.3.
Variant type: single nucleotide variant.
Coding change: c.4148C>G on transcript NM_001142864.4 (MANE Select); coding-DNA position 4148, C replaced by G.
Protein change: p.Pro1383Arg; replaces proline 1383 with arginine.
Molecular consequence: missense variant.
Genome position (GRCh38, 1-based): chr16:88,725,430, G>C on the plus strand (C>G on the coding strand, the complement: PIEZO1 is on the minus strand). VCF-style: chr16-88725430-G-C. GRCh37 (hg19) VCF-style: chr16-88791838-G-C.
Other names: c.2690C>G, p.Pro897Arg (NM_014745.1); short protein forms P1383R, P897R.
Identifiers: ClinVar variation 2802968 (VCV002802968.3), dbSNP rs1418671001, ClinGen allele CA397100081.
Genomic context (GRCh38, chr16:88,725,430, plus strand): 5'-CATGCTGGACACGGGGCCCTGGGTGCCCGACTCCAGCTGCACTCACCTGGCTCCAGGCCG[G>C]GGTCCTTGGGGCCCAGGGTGTCCTGGGGGCGACTGCGGTCCACCCGGCCCTGCCTGTGCT-3'
Protein context (NP_001136336.2, residues 1373-1393): RPQDTLGPKD[Pro1383Arg]GLEPGPDSPG